The following is an entry in ClinVar:

NM_001376.5(DYNC1H1):c.12146A>G (p.Tyr4049Cys)

Gene: DYNC1H1 (dynein cytoplasmic 1 heavy chain 1; plus strand). Cytogenetic location: 14q32.31.
Variant type: single nucleotide variant.
Coding change: c.12146A>G on transcript NM_001376.5 (MANE Select); coding-DNA position 12146, A replaced by G.
Protein change: p.Tyr4049Cys; replaces tyrosine 4049 with cysteine.
Molecular consequence: missense variant.
Genome position (GRCh38, 1-based): chr14:102,042,056, A>G. VCF-style: chr14-102042056-A-G. GRCh37 (hg19) VCF-style: chr14-102508393-A-G.
Other names: short protein forms Y4049C.
Identifiers: ClinVar variation 4802081 (VCV004802081.1).
Genomic context (GRCh38, chr14:102,042,056, plus strand): 5'-GCCTTCTTTGTTTGCAGGTGAAGCCCAACACTCCTGTCTTAATGTGCTCTGTGCCTGGTT[A>G]TGATGCCAGTGGACATGTCGAGGACCTTGCAGCCGAGCAGAACACGCAGATCACTTCAAT-3'
Protein context (NP_001367.2, residues 4039-4059): TPVLMCSVPG[Tyr4049Cys]DASGHVEDLA

ClinVar aggregate classification (germline): Uncertain significance (1 of 4 stars; one submission).

Conditions:
Charcot-Marie-Tooth disease axonal type 2O. Also called: CHARCOT-MARIE-TOOTH NEUROPATHY, AXONAL, TYPE 2O; CHARCOT-MARIE-TOOTH DISEASE, AXONAL, AUTOSOMAL DOMINANT, TYPE 2O; Charcot-Marie-Tooth Neuropathy Type 2O; Charcot-Marie-Tooth disease, axonal, type 20. Identifiers: Orphanet 284232, MedGen C3280220, MONDO:0013644, OMIM 614228.

Submission:

Labcorp Genetics (formerly Invitae), Labcorp
Classification: Uncertain significance for Charcot-Marie-Tooth disease axonal type 2O. Last evaluated: 2025-02-26. Review status: criteria provided, single submitter. Criteria: Invitae Variant Classification Sherloc (09022015). Collection method: clinical testing. Allele origin: germline.
Comment: This sequence change replaces tyrosine, which is neutral and polar, with cysteine, which is neutral and slightly polar, at codon 4049 of the DYNC1H1 protein (p.Tyr4049Cys). This variant is not present in population databases (gnomAD no frequency). This variant has not been reported in the literature in individuals affected with DYNC1H1-related conditions. Invitae Evidence Modeling of protein sequence and biophysical properties (such as structural, functional, and spatial information, amino acid conservation, physicochemical variation, residue mobility, and thermodynamic stability) indicates that this missense variant is not expected to disrupt DYNC1H1 protein function with a negative predictive value of 95%. In summary, the available evidence is currently insufficient to determine the role of this variant in disease. Therefore, it has been classified as a Variant of Uncertain Significance.